The following is an entry in ClinVar:

ClinVar aggregate classification (germline): Uncertain significance (1 of 4 stars; one submission).

Conditions:
Polycystic liver disease 2 (PCLD2). Also called: Polycystic liver disease 2 with or without kidney cysts. Identifiers: Orphanet 2924, MedGen C4310769, MONDO:0014860, OMIM 617004.

gnomAD v4.1: 1 of 1,613,976 alleles (0.000062%); highest among the groups gnomAD compares: African/African-American, 0.0013%; no homozygotes.

Submission:

Illumina Laboratory Services, Illumina
Classification: Uncertain significance for Polycystic liver disease 2. Last evaluated: 2024-02-22. Review status: criteria provided, single submitter. Criteria: ISL SNV Classification Criteria 03 February 2026. Collection method: clinical testing. Allele origin: unknown.
Comment: The SEC63 c.1058G>A p.(Arg353Lys) missense variant has not, to our knowledge, been reported in the peer-reviewed literature. This variant is not observed at a significant frequency in version 2.1.1 or version 4.0.0 of the Genome Aggregation Database. Multiple lines of computational evidence suggest the variant may impact the gene or gene product. Based on the available evidence, the c.1058G>A p.(Arg353Lys) variant is classified as a variant of uncertain significance for polycystic liver disease.

NM_007214.5(SEC63):c.1058G>A (p.Arg353Lys)

Gene: SEC63 (SEC63 protein translocation regulator; minus strand). Cytogenetic location: 6q21.
Variant type: single nucleotide variant.
Coding change: c.1058G>A on transcript NM_007214.5 (MANE Select); coding-DNA position 1058, G replaced by A.
Protein change: p.Arg353Lys; replaces arginine 353 with lysine.
Molecular consequence: missense variant.
Genome position (GRCh38, 1-based): chr6:107,902,995, C>T on the plus strand (G>A on the coding strand, the complement: SEC63 is on the minus strand). VCF-style: chr6-107902995-C-T. GRCh37 (hg19) VCF-style: chr6-108224199-C-T.
Other names: short protein forms R353K.
Identifiers: ClinVar variation 4759476 (VCV004759476.1).